The following is an entry in ClinVar:

NM_014239.4(EIF2B2):c.367A>G (p.Ser123Gly)

Gene: EIF2B2 (eukaryotic translation initiation factor 2B subunit beta; plus strand). Cytogenetic location: 14q24.3.
Variant type: single nucleotide variant.
Coding change: c.367A>G on transcript NM_014239.4 (MANE Select); coding-DNA position 367, A replaced by G.
Protein change: p.Ser123Gly; replaces serine 123 with glycine.
Molecular consequence: missense variant.
Genome position (GRCh38, 1-based): chr14:75,003,633, A>G. VCF-style: chr14-75003633-A-G. GRCh37 (hg19) VCF-style: chr14-75470336-A-G.
Other names: c.367A>G (NM_014239.3); short protein forms S123G.
Identifiers: ClinVar variation 1039641 (VCV001039641.5), dbSNP rs745423619, ClinGen allele CA7274873.
Genomic context (GRCh38, chr14:75,003,633, plus strand): 5'-AGTGATCAGCAGGAGTCCCTGCACAAACTGTTGACATCCGGAGGCCTAAACGAGGATTTC[A>G]GCTTCCATTATGCCCAACTCCAGTCCAACATCATTGAGGCGATTAATGAGCTGCTAGTGG-3'
Protein context (NP_055054.1, residues 113-133): LTSGGLNEDF[Ser123Gly]FHYAQLQSNI

ClinVar aggregate classification (germline): Uncertain significance. Review status: criteria provided, multiple submitters, no conflicts (2 of 4 stars). 2 submissions from 2 submitters: Uncertain significance (2). Last evaluated 2025-03-07.

Conditions:
Inborn genetic diseases. Identifiers: MedGen C0950123, MeSH D030342.

Allele frequency attached by ClinVar (database versions not stated): gnomAD 0.00002; gnomAD exomes 0.00002 and 0.00009; TOPMed 0.00002; ExAC 0.00006.
gnomAD v4.1: 43 of 1,614,216 alleles (0.0027%); highest among the groups gnomAD compares: Admixed American, 0.04%; no homozygotes.

Submissions (2):

Ambry Genetics
Classification: Uncertain significance for Inborn genetic diseases. Last evaluated: 2025-03-07. Review status: criteria provided, single submitter. Criteria: Ambry Variant Classification Scheme 2023. Collection method: clinical testing. Allele origin: germline.

Labcorp Genetics (formerly Invitae), Labcorp
Classification: Uncertain significance. Last evaluated: 2022-07-15. Review status: criteria provided, single submitter. Criteria: Invitae Variant Classification Sherloc (09022015). Collection method: clinical testing. Allele origin: germline.
Comment: This sequence change replaces serine, which is neutral and polar, with glycine, which is neutral and non-polar, at codon 123 of the EIF2B2 protein (p.Ser123Gly). This variant is present in population databases (rs745423619, gnomAD 0.05%). This variant has not been reported in the literature in individuals affected with EIF2B2-related conditions. ClinVar contains an entry for this variant (Variation ID: 1039641). Algorithms developed to predict the effect of missense changes on protein structure and function are either unavailable or do not agree on the potential impact of this missense change (SIFT: "Deleterious"; PolyPhen-2: "Benign"; Align-GVGD: "Class C0"). In summary, the available evidence is currently insufficient to determine the role of this variant in disease. Therefore, it has been classified as a Variant of Uncertain Significance.